The following is an entry in ClinVar:

NM_001903.5(CTNNA1):c.2038C>G (p.Gln680Glu)

Gene: CTNNA1 (catenin alpha 1; plus strand). Cytogenetic location: 5q31.2.
Variant type: single nucleotide variant.
Coding change: c.2038C>G on transcript NM_001903.5 (MANE Select); coding-DNA position 2038, C replaced by G.
Protein change: p.Gln680Glu; replaces glutamine 680 with glutamic acid.
Molecular consequence: missense variant.
Genome position (GRCh38, 1-based): chr5:138,930,500, C>G. VCF-style: chr5-138930500-C-G. GRCh37 (hg19) VCF-style: chr5-138266189-C-G.
Other names: c.2038C>G, p.Gln680Glu (NM_001290307.3, NM_001323982.2, NM_001323983.1 and 2 more transcripts); c.1729C>G, p.Gln577Glu (NM_001290309.3); c.1669C>G, p.Gln557Glu (NM_001290310.3); c.928C>G, p.Gln310Glu (NM_001290312.1, NM_001323987.1, NM_001323988.1 and 17 more transcripts); c.1945C>G, p.Gln649Glu (NM_001323986.2); c.589C>G, p.Gln197Glu (NM_001324006.1, NM_001324007.1, NM_001324008.1 and 2 more transcripts); c.835C>G, p.Gln279Glu (NM_001324011.1); c.685C>G, p.Gln229Glu (NM_001324012.1, NM_001324013.1); short protein forms Q649E, Q229E, Q279E, Q577E, Q197E, Q310E, Q557E, Q680E.
Identifiers: ClinVar variation 2625472 (VCV002625472.2), dbSNP rs2533847648, ClinGen allele CA361133353.

ClinVar aggregate classification (germline): Uncertain significance (1 of 4 stars; one submission).

Conditions:
Hereditary cancer-predisposing syndrome. Also called: Tumor predisposition; Hereditary Cancer Syndrome; Hereditary neoplastic syndrome; Neoplastic Syndromes, Hereditary. Identifiers: Orphanet 140162, MedGen C0027672, MeSH D009386, MONDO:0015356.

Submission:

Ambry Genetics
Classification: Uncertain significance for Hereditary cancer-predisposing syndrome. Last evaluated: 2023-06-21. Review status: criteria provided, single submitter. Criteria: Ambry Variant Classification Scheme 2023. Collection method: clinical testing. Allele origin: germline.
Comment: The p.Q680E variant (also known as c.2038C>G), located in coding exon 14 of the CTNNA1 gene, results from a C to G substitution at nucleotide position 2038. The glutamine at codon 680 is replaced by glutamic acid, an amino acid with highly similar properties. This amino acid position is conserved. In addition, this alteration is predicted to be tolerated by in silico analysis. Since supporting evidence is limited at this time, the clinical significance of this alteration remains unclear.